The following is an entry in ClinVar:

NM_182914.3(SYNE2):c.19431G>A (p.Trp6477Ter)

Gene: SYNE2 (spectrin repeat containing nuclear envelope protein 2; plus strand). Cytogenetic location: 14q23.2.
Variant type: single nucleotide variant.
Coding change: c.19431G>A on transcript NM_182914.3 (MANE Select); coding-DNA position 19431, G replaced by A.
Protein change: p.Trp6477Ter; replaces tryptophan 6477 with a stop codon.
Molecular consequence: nonsense. On other transcripts: 5 prime UTR variant (1).
Genome position (GRCh38, 1-based): chr14:64,216,276, G>A. VCF-style: chr14-64216276-G-A. GRCh37 (hg19) VCF-style: chr14-64682994-G-A.
Other names: c.19362G>A, p.Trp6454Ter (NM_015180.6); c.-46G>A (NM_182910.2); c.333G>A, p.Trp111Ter (NM_182913.4); short protein forms W111*, W6454*, W6477*.
Identifiers: ClinVar variation 4810407 (VCV004810407.1).

ClinVar aggregate classification (germline): Uncertain significance (1 of 4 stars; one submission).

Conditions:
Emery-Dreifuss muscular dystrophy 5, autosomal dominant (EDMD5). Also called: EMERY-DREIFUSS MUSCULAR DYSTROPHY 5. Identifiers: Orphanet 261, MedGen C2751805, MONDO:0013072, OMIM 612999.

Submission:

Labcorp Genetics (formerly Invitae), Labcorp
Classification: Uncertain significance for Emery-Dreifuss muscular dystrophy 5, autosomal dominant. Last evaluated: 2025-08-12. Review status: criteria provided, single submitter. Criteria: Invitae Variant Classification Sherloc (09022015). Collection method: clinical testing. Allele origin: germline.
Comment: This sequence change creates a premature translational stop signal (p.Trp6477*) in the SYNE2 gene. It is expected to result in an absent or disrupted protein product. However, the current clinical and genetic evidence is not sufficient to establish whether loss-of-function variants in SYNE2 cause disease. This variant is not present in population databases (gnomAD no frequency). This variant has not been reported in the literature in individuals affected with SYNE2-related conditions. In summary, the available evidence is currently insufficient to determine the role of this variant in disease. Therefore, it has been classified as a Variant of Uncertain Significance.